The following is an entry in ClinVar:

ClinVar aggregate classification (germline): Likely pathogenic (1 of 4 stars; one submission).

Conditions:
Glycogen storage disease IXa1. Also called: GLYCOGEN STORAGE DISEASE VIII; GSD VIII; LIVER GLYCOGENOSIS, X-LINKED, TYPE I; Glycogen storage disease 8. Identifiers: Orphanet 264580, MedGen C3694531, MONDO:0010598, OMIM 306000.

Submission:

Labcorp Genetics (formerly Invitae), Labcorp
Classification: Likely pathogenic for Glycogen storage disease IXa1. Last evaluated: 2019-09-10. Review status: criteria provided, single submitter. Criteria: Invitae Variant Classification Sherloc (09022015). Collection method: clinical testing. Allele origin: germline.
Comment: Algorithms developed to predict the effect of sequence changes on RNA splicing suggest that this variant may disrupt the consensus splice site, but this prediction has not been confirmed by published transcriptional studies. In summary, the currently available evidence indicates that the variant is pathogenic, but additional data are needed to prove that conclusively. Therefore, this variant has been classified as Likely Pathogenic. Donor and acceptor splice site variants typically lead to a loss of protein function (PMID: 16199547), and loss-of-function variants in PHKA2 are known to be pathogenic (PMID: 7711737, 10330341). This variant has not been reported in the literature in individuals with PHKA2-related conditions. This variant is not present in population databases (ExAC no frequency). This sequence change affects a donor splice site in intron 3 of the PHKA2 gene. It is expected to disrupt RNA splicing and likely results in an absent or disrupted protein product.

Literature cited by the submitters: PubMed 16199547; PubMed 7711737; PubMed 10330341.

NM_000292.3(PHKA2):c.285+2_285+5del

Gene: PHKA2 (phosphorylase kinase regulatory subunit alpha 2; minus strand). Cytogenetic location: Xp22.13.
Variant type: Deletion.
Coding change: c.285+2_285+5del on transcript NM_000292.3 (MANE Select); the canonical splice donor site of the intron after coding-DNA position 285 through 5 bases into the intron after coding-DNA position 285, 4 bases deleted (TAGG; older notation c.285+2_285+5delTAGG).
Molecular consequence: splice donor variant.
Genome position (GRCh38, 1-based): chrX:18,952,489-18,952,492, CCTA deleted on the plus strand (TAGG on the coding strand, the reverse complement: PHKA2 is on the minus strand); deleting any 4 consecutive bases within chrX:18,952,489-18,952,495 gives the same sequence; the c. name uses the placement nearest the transcript's 3' end. VCF-style (leftmost placement, unchanged base first): chrX-18952488-GCCTA-G. GRCh37 (hg19) VCF-style: chrX-18970606-GCCTA-G.
Identifiers: ClinVar variation 937363 (VCV000937363.7), dbSNP rs2048714302, ClinGen allele CA1139667256.